The following is an entry in ClinVar:

NM_001130987.2(DYSF):c.250G>T (p.Glu84Ter)

Gene: DYSF (dysferlin; plus strand). Cytogenetic location: 2p13.2.
Variant type: single nucleotide variant.
Coding change: c.250G>T on transcript NM_001130987.2 (MANE Select); coding-DNA position 250, G replaced by T.
Protein change: p.Glu84Ter; replaces glutamic acid 84 with a stop codon.
Molecular consequence: nonsense.
Genome position (GRCh38, 1-based): chr2:71,503,224, G>T. VCF-style: chr2-71503224-G-T. GRCh37 (hg19) VCF-style: chr2-71730354-G-T.
Other names: c.250G>T, p.Glu84Ter (NM_001130455.2, NM_001130982.2, NM_001130983.2 and 3 more transcripts); c.247G>T, p.Glu83Ter (NM_001130976.2, NM_001130977.2, NM_001130978.2 and 4 more transcripts); short protein forms E83*, E84*.
Identifiers: ClinVar variation 5015941 (VCV005015941.1).
Genomic context (GRCh38, chr2:71,503,224, plus strand): 5'-CCAGGGTGCCTTAGGCTAGTTTTCTACATTTGACTTCTCTCTCCTCTCAGGTTCCTGGGG[G>T]AAGCCAAGGTCCCACTCCGAGAGGTCCTCGCCACCCCTAGTCTGTCCGCCAGCTTCAATG-3'

ClinVar aggregate classification (germline): Pathogenic (1 of 4 stars; one submission).

Conditions:
Autosomal recessive limb-girdle muscular dystrophy. Identifiers: Orphanet 102015, MedGen C2931907, MONDO:0015152.

Submission:

Myriad Genetics, Inc.
Classification: Pathogenic for Autosomal recessive limb-girdle muscular dystrophy. Last evaluated: 2026-05-21. Review status: criteria provided, single submitter. Criteria: Myriad Autosomal Dominant, Autosomal Recessive and X-Linked Classification Criteria (2023). Collection method: clinical testing. Allele origin: unknown.
Comment: NM_003494.3(DYSF):c.247G>T(E83*) is expected to be pathogenic in the context of dysferlinopathy. This variant is predicted to lead to an abnormal or absent protein product due to the creation of a premature termination codon in DYSF, a gene where loss-of-function variants are known to be pathogenic. Please note: this variant was assessed in the context of healthy population screening.